The following is an entry in ClinVar:

ClinVar aggregate classification (germline): Benign/Likely benign. Review status: criteria provided, multiple submitters, no conflicts (2 of 4 stars). 2 submissions from 2 submitters: Benign (1); Likely benign (1). Last evaluated 2026-08-03.

Conditions:
Familial colorectal cancer type X. Identifiers: Orphanet 440437, MedGen C3896578, MONDO:0018604.

Submissions (2):

Myriad Genetics, Inc.
Classification: Benign for Familial colorectal cancer type X. Last evaluated: 2026-08-03. Review status: criteria provided, single submitter. Criteria: Myriad Autosomal Dominant, Autosomal Recessive and X-Linked Classification Criteria (2023). Collection method: clinical testing. Allele origin: unknown.
Comment: This variant is considered benign. This variant is a silent/synonymous amino acid change and it is not expected to impact splicing.

Ambry Genetics
Classification: Likely benign. Last evaluated: 2023-06-01. Review status: criteria provided, single submitter. Criteria: Ambry Variant Classification Scheme 2023. Collection method: clinical testing. Allele origin: germline.

NM_001023.4(RPS20):c.69C>G (p.Thr23=)

Gene: RPS20 (ribosomal protein S20; minus strand). Cytogenetic location: 8q12.1.
Variant type: single nucleotide variant.
Coding change: c.69C>G on transcript NM_001023.4 (MANE Select); coding-DNA position 69, C replaced by G.
Protein change: p.Thr23=; no amino-acid change (threonine 23 retained).
Molecular consequence: synonymous variant.
Genome position (GRCh38, 1-based): chr8:56,074,094, G>C on the plus strand (C>G on the coding strand, the complement: RPS20 is on the minus strand). VCF-style: chr8-56074094-G-C. GRCh37 (hg19) VCF-style: chr8-56986653-G-C.
Other names: c.69C>G, p.Thr23= (NM_001146227.3).
Identifiers: ClinVar variation 2563001 (VCV002563001.3), dbSNP rs1804366, ClinGen allele CA461101611.